The following is an entry in ClinVar:

NM_014003.4(DHX38):c.1650C>T (p.Ile550=)

Gene: DHX38 (DEAH-box helicase 38; plus strand). Cytogenetic location: 16q22.2.
Variant type: single nucleotide variant.
Coding change: c.1650C>T on transcript NM_014003.4 (MANE Select); coding-DNA position 1650, C replaced by T.
Protein change: p.Ile550=; no amino-acid change (isoleucine 550 retained).
Molecular consequence: synonymous variant.
Genome position (GRCh38, 1-based): chr16:72,103,614, C>T. VCF-style: chr16-72103614-C-T. GRCh37 (hg19) VCF-style: chr16-72137513-C-T.
Identifiers: ClinVar variation 781726 (VCV000781726.44), dbSNP rs142314860, ClinGen allele CA8160374.

ClinVar aggregate classification (germline): Likely benign. Review status: criteria provided, multiple submitters, no conflicts (2 of 4 stars). 6 submissions from 6 submitters: Likely benign (4). 2 of the submissions do not count toward it. Last evaluated 2026-01-26.

Allele frequency attached by ClinVar (database versions not stated): 1000 Genomes Project 0.00040; 1000 Genomes Project 30x 0.00062; gnomAD 0.00095; ESP Exome Variant Server 0.00108; TOPMed 0.00109; ExAC 0.00128; gnomAD exomes 0.00149.

Submissions (6):

Labcorp Genetics (formerly Invitae), Labcorp
Classification: Likely benign. Last evaluated: 2026-01-26. Review status: criteria provided, single submitter. Criteria: Invitae Variant Classification Sherloc (09022015). Collection method: clinical testing. Allele origin: germline.

Blueprint Genetics
Classification: Likely benign. Last evaluated: 2024-11-17. Review status: criteria provided, single submitter. Criteria: ACMG Guidelines, 2015. Collection method: clinical testing. Allele origin: germline.

CeGaT Center for Human Genetics Tuebingen
Classification: Likely benign. Last evaluated: 2024-02-01. Review status: criteria provided, single submitter. Criteria: CeGaT Center For Human Genetics Tuebingen Variant Classification Criteria Version 2. Collection method: clinical testing. Allele origin: germline. Affected: yes. Observed: 4 variant alleles.
Comment: DHX38: BP4, BP7

Breakthrough Genomics
Classification: Likely benign. Review status: criteria provided, single submitter. Criteria: ACMG Guidelines, 2015. Collection method: not provided. Allele origin: germline. Inheritance: Autosomal recessive inheritance. Affected: yes.

Clinical Genetics DNA and cytogenetics Diagnostics Lab, Erasmus MC, Erasmus Medical Center
Classification: Likely benign. Review status: no assertion criteria provided. Collection method: clinical testing. Allele origin: germline. Affected: yes. Study: VKGL Data-share Consensus. Not counted in ClinVar's aggregate classification.

Clinical Genetics, Academic Medical Center
Classification: Benign. Review status: no assertion criteria provided. Collection method: clinical testing. Allele origin: germline. Affected: yes. Study: VKGL Data-share Consensus. Not counted in ClinVar's aggregate classification.